The following is an entry in ClinVar:

ClinVar aggregate classification (germline): Pathogenic. Review status: criteria provided, multiple submitters, no conflicts (2 of 4 stars). 3 submissions from 3 submitters: Pathogenic (3). Last evaluated 2020-11-10.

Conditions:
Retinitis pigmentosa (RP). Identifiers: Orphanet 791, MedGen C0035334, MeSH D012174, MONDO:0019200, OMIM 268000. Inheritance: Autosomal dominant, autosomal recessive and X linked inheritance.

Allele frequency attached by ClinVar (database versions not stated): gnomAD exomes below 0.00001.
gnomAD v4.1: 2 of 1,508,318 alleles (0.00013%); highest among the groups gnomAD compares: Non-Finnish European, 0.00018%; no homozygotes.

Submissions (3):

Labcorp Genetics (formerly Invitae), Labcorp
Classification: Pathogenic. Last evaluated: 2020-11-10. Review status: criteria provided, single submitter. Criteria: Invitae Variant Classification Sherloc (09022015). Collection method: clinical testing. Allele origin: germline.
Comment: For these reasons, this variant has been classified as Pathogenic. This variant has not been reported in the literature in individuals with EYS-related conditions. ClinVar contains an entry for this variant (Variation ID: 813178). This variant is not present in population databases (ExAC no frequency). This sequence change creates a premature translational stop signal (p.Tyr2058*) in the EYS gene. It is expected to result in an absent or disrupted protein product. Loss-of-function variants in EYS are known to be pathogenic (PMID: 18836446, 20333770).

Institute of Medical Genetics and Applied Genomics, University Hospital Tübingen
Classification: Pathogenic. Last evaluated: 2020-10-23. Review status: criteria provided, single submitter. Criteria: ACMG Guidelines, 2015. Collection method: clinical testing. Allele origin: germline. Inheritance: Autosomal recessive inheritance. Affected: yes.

Molecular Genetics Laboratory, Institute for Ophthalmic Research
Classification: Pathogenic for Retinitis pigmentosa. Last evaluated: 2020-01-09. Review status: criteria provided, single submitter. Criteria: ACMG Guidelines, 2015. Collection method: research. Allele origin: germline. Affected: yes.

Literature cited by the submitters: PubMed 18836446 (cited by Labcorp Genetics (formerly Invitae), Labcorp); PubMed 20333770 (cited by Labcorp Genetics (formerly Invitae), Labcorp).

NM_001142800.2(EYS):c.6174T>G (p.Tyr2058Ter)

Gene: EYS (EGF-like photoreceptor maintenance factor; minus strand). Cytogenetic location: 6q12.
Variant type: single nucleotide variant.
Coding change: c.6174T>G on transcript NM_001142800.2 (MANE Select); coding-DNA position 6174, T replaced by G.
Protein change: p.Tyr2058Ter; replaces tyrosine 2058 with a stop codon.
Molecular consequence: nonsense.
Genome position (GRCh38, 1-based): chr6:64,306,987, A>C on the plus strand (T>G on the coding strand, the complement: EYS is on the minus strand). VCF-style: chr6-64306987-A-C. GRCh37 (hg19) VCF-style: chr6-65016880-A-C.
Other names: c.6174T>G, p.Tyr2058Ter (NM_001292009.2); short protein forms Y2058*.
Identifiers: ClinVar variation 813178 (VCV000813178.8), dbSNP rs1769471082, ClinGen allele CA364391699.